The following is an entry in ClinVar:

ClinVar aggregate classification (germline): Uncertain significance (1 of 4 stars; one submission).

Allele frequency attached by ClinVar (database versions not stated): gnomAD exomes below 0.00001.
gnomAD v4.1: 1 of 1,614,094 alleles (0.000062%); highest among the groups gnomAD compares: African/African-American, 0.0013%; no homozygotes.

Submission:

Labcorp Genetics (formerly Invitae), Labcorp
Classification: Uncertain significance. Last evaluated: 2024-02-12. Review status: criteria provided, single submitter. Criteria: Invitae Variant Classification Sherloc (09022015). Collection method: clinical testing. Allele origin: germline.
Comment: This sequence change replaces aspartic acid, which is acidic and polar, with tyrosine, which is neutral and polar, at codon 258 of the LRRC8A protein (p.Asp258Tyr). This variant is not present in population databases (gnomAD no frequency). This variant has not been reported in the literature in individuals affected with LRRC8A-related conditions. An algorithm developed to predict the effect of missense changes on protein structure and function (PolyPhen-2) suggests that this variant is likely to be disruptive. In summary, the available evidence is currently insufficient to determine the role of this variant in disease. Therefore, it has been classified as a Variant of Uncertain Significance.

NM_019594.4(LRRC8A):c.772G>T (p.Asp258Tyr)

Gene: LRRC8A (leucine rich repeat containing 8 VRAC subunit A; plus strand). Cytogenetic location: 9q34.11.
Variant type: single nucleotide variant.
Coding change: c.772G>T on transcript NM_019594.4 (MANE Select); coding-DNA position 772, G replaced by T.
Protein change: p.Asp258Tyr; replaces aspartic acid 258 with tyrosine.
Molecular consequence: missense variant.
Genome position (GRCh38, 1-based): chr9:128,907,936, G>T. VCF-style: chr9-128907936-G-T. GRCh37 (hg19) VCF-style: chr9-131670215-G-T.
Other names: c.772G>T, p.Asp258Tyr (NM_001127244.2, NM_001127245.2); short protein forms D258Y.
Identifiers: ClinVar variation 2846720 (VCV002846720.3), dbSNP rs1840320779, ClinGen allele CA375078157.
Genomic context (GRCh38, chr9:128,907,936, plus strand): 5'-GAGCAAGCCAAGGCGCTGTTTGAGAAGGTGAAGAAGTTCCGGACCCATGTGGAGGAGGGG[G>T]ACATTGTGTACCGCCTCTACATGCGGCAGACCATCATCAAGGTGATCAAGTTCATCCTCA-3'
Protein context (NP_062540.2, residues 248-268): KKFRTHVEEG[Asp258Tyr]IVYRLYMRQT